The following is an entry in ClinVar:

NM_014727.3(KMT2B):c.1411C>T (p.Arg471Trp)

Gene: KMT2B (lysine methyltransferase 2B; plus strand). Cytogenetic location: 19q13.12.
Variant type: single nucleotide variant.
Coding change: c.1411C>T on transcript NM_014727.3 (MANE Select); coding-DNA position 1411, C replaced by T.
Protein change: p.Arg471Trp; replaces arginine 471 with tryptophan.
Molecular consequence: missense variant.
Genome position (GRCh38, 1-based): chr19:35,720,758, C>T. VCF-style: chr19-35720758-C-T. GRCh37 (hg19) VCF-style: chr19-36211660-C-T.
Other names: short protein forms R471W.
Identifiers: ClinVar variation 4071852 (VCV004071852.2).
Genomic context (GRCh38, chr19:35,720,758, plus strand): 5'-GAGGAGCAGGAGGAATCCCCTCCTCCTGTGGTCCCAGCTACGTGCTCCAGGAAGAGGGGC[C>T]GGCCTCCCCTGACTCCCAGCCAGCGGGCGGAGCGGGAAGCTGCTCGGGCAGGGCCAGAGG-3'
Protein context (NP_055542.1, residues 461-481): VPATCSRKRG[Arg471Trp]PPLTPSQRAE

ClinVar aggregate classification (germline): Uncertain significance (1 of 4 stars; one submission).

Submission:

GeneDx
Classification: Uncertain significance. Last evaluated: 2025-11-18. Review status: criteria provided, single submitter. Criteria: GeneDx Variant Classification Process June 2021. Collection method: clinical testing. Allele origin: germline.
Comment: Not observed at significant frequency in large population cohorts (gnomAD); In silico analysis supports that this missense variant has a deleterious effect on protein structure/function; Has not been previously published as pathogenic or benign to our knowledge